The following is an entry in ClinVar:

NM_001347721.2(DYRK1A):c.638-100T>C

Gene: DYRK1A (dual specificity tyrosine phosphorylation regulated kinase 1A; plus strand). Cytogenetic location: 21q22.13.
Variant type: single nucleotide variant.
Coding change: c.638-100T>C on transcript NM_001347721.2 (MANE Select); 100 bases into the intron before coding-DNA position 638, T replaced by C.
Molecular consequence: intron variant.
Genome position (GRCh38, 1-based): chr21:37,490,075, T>C. VCF-style: chr21-37490075-T-C. GRCh37 (hg19) VCF-style: chr21-38862377-T-C.
Other names: c.665-100T>C (NM_001396.5, NM_101395.2, NM_130438.2); c.638-100T>C (NM_001347722.2, NM_130436.2); c.551-100T>C (NM_001347723.2).
Identifiers: ClinVar variation 677646 (VCV000677646.1), dbSNP rs141005003, ClinGen allele CA320483319.

ClinVar aggregate classification (germline): Likely benign (1 of 4 stars; one submission).

Allele frequency attached by ClinVar (database versions not stated): 1000 Genomes Project 0.00359; 1000 Genomes Project 30x 0.00375; gnomAD 0.00402 and 0.00441; TOPMed 0.00460.
gnomAD v4.1: 1,032 of 1,188,228 alleles (0.087%); highest among the groups gnomAD compares: African/African-American, 1.4%; 10 homozygotes.

Submission:

GeneDx
Classification: Likely benign. Last evaluated: 2018-06-14. Review status: criteria provided, single submitter. Criteria: GeneDx Variant Classification (06012015). Collection method: clinical testing. Allele origin: germline. Affected: yes.
Comment: This variant is considered likely benign or benign based on one or more of the following criteria: it is a conservative change, it occurs at a poorly conserved position in the protein, it is predicted to be benign by multiple in silico algorithms, and/or has population frequency not consistent with disease.